The following is an entry in ClinVar:

NM_007194.4(CHEK2):c.1395G>A (p.Lys465=)

Gene: CHEK2 (checkpoint kinase 2; minus strand). Cytogenetic location: 22q12.1.
Variant type: single nucleotide variant.
Coding change: c.1395G>A on transcript NM_007194.4 (MANE Select); coding-DNA position 1395, G replaced by A.
Protein change: p.Lys465=; no amino-acid change (lysine 465 retained).
Molecular consequence: synonymous variant.
Genome position (GRCh38, 1-based): chr22:28,694,098, C>T on the plus strand (G>A on the coding strand, the complement: CHEK2 is on the minus strand). VCF-style: chr22-28694098-C-T. GRCh37 (hg19) VCF-style: chr22-29090086-C-T.
Other names: c.1524G>A, p.Lys508= (NM_001005735.3); c.732G>A, p.Lys244= (NM_001257387.3); c.1194G>A, p.Lys398= (NM_001349956.3); c.1308G>A, p.Lys436= (NM_145862.3).
Identifiers: ClinVar variation 819082 (VCV000819082.10), dbSNP rs1601716508, ClinGen allele CA513944777.

ClinVar aggregate classification (germline): Benign/Likely benign. Review status: criteria provided, multiple submitters, no conflicts (2 of 4 stars). 3 submissions from 3 submitters: Benign (1); Likely benign (2). Last evaluated 2024-10-08.

Conditions:
Hereditary cancer-predisposing syndrome. Also called: Tumor predisposition; Hereditary neoplastic syndrome; Neoplastic Syndromes, Hereditary; Hereditary Cancer Syndrome. Identifiers: Orphanet 140162, MedGen C0027672, MeSH D009386, MONDO:0015356.
Familial cancer of breast. Also called: hereditary breast carcinoma; Hereditary breast cancer; BREAST CANCER, FAMILIAL. Identifiers: Orphanet 227535, MedGen C0346153, MONDO:0016419, OMIM 114480. Disease mechanism: loss of function.

Submissions (3):

Myriad Genetics, Inc.
Classification: Benign for Familial cancer of breast. Last evaluated: 2024-10-08. Review status: criteria provided, single submitter. Criteria: Myriad Autosomal Dominant, Autosomal Recessive and X-Linked Classification Criteria (2023). Collection method: clinical testing. Allele origin: unknown.
Comment: This variant is considered benign. This variant is a silent/synonymous amino acid change and it is not expected to impact splicing.

Labcorp Genetics (formerly Invitae), Labcorp
Classification: Likely benign for Familial cancer of breast. Last evaluated: 2022-08-27. Review status: criteria provided, single submitter. Criteria: Invitae Variant Classification Sherloc (09022015). Collection method: clinical testing. Allele origin: germline.

Ambry Genetics
Classification: Likely benign for Hereditary cancer-predisposing syndrome. Last evaluated: 2018-11-06. Review status: criteria provided, single submitter. Criteria: Ambry Variant Classification Scheme 2023. Collection method: clinical testing. Allele origin: germline.